The following is an entry in ClinVar:

ClinVar aggregate classification (germline): Uncertain significance. Review status: criteria provided, multiple submitters, no conflicts (2 of 4 stars). 2 submissions from 2 submitters: Uncertain significance (2). Last evaluated 2025-07-16.

Conditions:
Familial thoracic aortic aneurysm and aortic dissection (TAAD). Also called: Thoracic aortic aneurysms and dissections. Identifiers: Orphanet 91387, MedGen C4707243, MONDO:0019625.
Adams-Oliver syndrome 5 (AOS5). Identifiers: Orphanet 974, MedGen C4014970, MONDO:0014459, OMIM 616028.

Submissions (2):

Ambry Genetics
Classification: Uncertain significance for Familial thoracic aortic aneurysm and aortic dissection. Last evaluated: 2025-07-16. Review status: criteria provided, single submitter. Criteria: Ambry Variant Classification Scheme 2023. Collection method: clinical testing. Allele origin: germline.

Labcorp Genetics (formerly Invitae), Labcorp
Classification: Uncertain significance for Adams-Oliver syndrome 5. Last evaluated: 2021-08-20. Review status: criteria provided, single submitter. Criteria: Invitae Variant Classification Sherloc (09022015). Collection method: clinical testing. Allele origin: germline.
Comment: Advanced modeling of protein sequence and biophysical properties (such as structural, functional, and spatial information, amino acid conservation, physicochemical variation, residue mobility, and thermodynamic stability) performed at Invitae indicates that this missense variant is not expected to disrupt NOTCH1 protein function. In summary, the available evidence is currently insufficient to determine the role of this variant in disease. Therefore, it has been classified as a Variant of Uncertain Significance. This variant has not been reported in the literature in individuals with NOTCH1-related conditions. This variant is not present in population databases (ExAC no frequency). This sequence change replaces glycine with aspartic acid at codon 1865 of the NOTCH1 protein (p.Gly1865Asp). The glycine residue is highly conserved and there is a moderate physicochemical difference between glycine and aspartic acid.

NM_017617.5(NOTCH1):c.5594G>A (p.Gly1865Asp)

Gene: NOTCH1 (notch receptor 1; minus strand). Cytogenetic location: 9q34.3.
Variant type: single nucleotide variant.
Coding change: c.5594G>A on transcript NM_017617.5 (MANE Select); coding-DNA position 5594, G replaced by A.
Protein change: p.Gly1865Asp; replaces glycine 1865 with aspartic acid.
Molecular consequence: missense variant.
Genome position (GRCh38, 1-based): chr9:136,501,792, C>T on the plus strand (G>A on the coding strand, the complement: NOTCH1 is on the minus strand). VCF-style: chr9-136501792-C-T. GRCh37 (hg19) VCF-style: chr9-139396244-C-T.
Other names: c.5594G>A (NM_017617.3); short protein forms G1865D.
Identifiers: ClinVar variation 1422292 (VCV001422292.10), dbSNP rs2133328665, ClinGen allele CA375639022.